The following is an entry in ClinVar:

ClinVar aggregate classification (germline): Pathogenic/Likely pathogenic. Review status: criteria provided, multiple submitters, no conflicts (2 of 4 stars). 5 submissions from 5 submitters: Pathogenic (2); Likely pathogenic (3). Last evaluated 2026-08-18.

Conditions:
Tyrosinase-positive oculocutaneous albinism (OCA2). Also called: Oculocutaneous albinism type 2; ALBINISM II; Albinism, oculocutaneous, type II. Identifiers: Orphanet 79432, MedGen C0268495, MONDO:0008746, OMIM 203200.
SKIN/HAIR/EYE PIGMENTATION 1, BLUE/NONBLUE EYES (SHEP1). Also called: SKIN/HAIR/EYE PIGMENTATION 1, BLOND/BROWN HAIR; SKIN/HAIR/EYE PIGMENTATION 1, BLUE/BROWN EYES; BROWN EYE COLOR 2; EYE COLOR 3; EYE COLOR, BLUE/NONBLUE; EYE COLOR, BROWN/BLUE. Identifiers: MedGen C1856895, OMIM 227220.
OCA2-related disorder. Also called: OCA2-related condition.

gnomAD v4.1: 1 of 1,614,198 alleles (0.000062%); highest among the groups gnomAD compares: Non-Finnish European, 0.000085%; no homozygotes.

Submissions (5):

Myriad Genetics, Inc.
Classification: Pathogenic for Tyrosinase-positive oculocutaneous albinism. Last evaluated: 2026-08-18. Review status: criteria provided, single submitter. Criteria: Myriad Autosomal Dominant, Autosomal Recessive and X-Linked Classification Criteria (2023). Collection method: clinical testing. Allele origin: unknown.
Comment: NM_000275.2(OCA2):c.403G>T(E135*) is expected to be pathogenic in the context of oculocutaneous albinism, OCA2-related. This variant is predicted to lead to an abnormal or absent protein product due to the creation of a premature termination codon in OCA2, a gene where loss-of-function variants are known to be pathogenic. Please note: this variant was assessed in the context of healthy population screening.

MVZ Martinsried, Medicover Genetics
Classification: Likely pathogenic for Tyrosinase-positive oculocutaneous albinism. Last evaluated: 2025-10-15. Review status: criteria provided, single submitter. Criteria: ClinGen Variant Curation SOP V3.2 + Classification Guidance July2025. Collection method: clinical testing. Allele origin: inherited. Affected: yes. Observed: 1 homozygote.
Comment: PVS1, PM2_Supporting. Confirmed in trans with variant NM_000275.3(OCA2):c.1327G>A.

Labcorp Genetics (formerly Invitae), Labcorp
Classification: Pathogenic. Last evaluated: 2025-05-29. Review status: criteria provided, single submitter. Criteria: Invitae Variant Classification Sherloc (09022015). Collection method: clinical testing. Allele origin: germline.
Comment: This sequence change creates a premature translational stop signal (p.Glu135*) in the OCA2 gene. It is expected to result in an absent or disrupted protein product. Loss-of-function variants in OCA2 are known to be pathogenic (PMID: 19865097, 21541274). This variant is not present in population databases (gnomAD no frequency). This variant has not been reported in the literature in individuals affected with OCA2-related conditions. ClinVar contains an entry for this variant (Variation ID: 1420611). For these reasons, this variant has been classified as Pathogenic.

Fulgent Genetics
Classification: Likely pathogenic for Tyrosinase-positive oculocutaneous albinism; SKIN/HAIR/EYE PIGMENTATION 1, BLUE/NONBLUE EYES. Last evaluated: 2024-03-05. Review status: criteria provided, single submitter. Criteria: ACMG Guidelines, 2015. Collection method: clinical testing. Allele origin: germline.

Blueprint Genetics
Classification: Likely pathogenic for OCA2-related disorders. Last evaluated: 2022-10-19. Review status: criteria provided, single submitter. Criteria: ACMG Guidelines, 2015. Collection method: clinical testing. Allele origin: germline. Affected: yes. Observed: 1 variant allele.

Literature cited by the submitters: PubMed 19865097 (cited by Labcorp Genetics (formerly Invitae), Labcorp); PubMed 21541274 (cited by Labcorp Genetics (formerly Invitae), Labcorp).

NM_000275.3(OCA2):c.403G>T (p.Glu135Ter)

Gene: OCA2 (OCA2 melanosomal transmembrane protein; minus strand). Cytogenetic location: 15q13.1.
Variant type: single nucleotide variant.
Coding change: c.403G>T on transcript NM_000275.3 (MANE Select); coding-DNA position 403, G replaced by T.
Protein change: p.Glu135Ter; replaces glutamic acid 135 with a stop codon.
Molecular consequence: nonsense.
Genome position (GRCh38, 1-based): chr15:28,027,983, C>A on the plus strand (G>T on the coding strand, the complement: OCA2 is on the minus strand). VCF-style: chr15-28027983-C-A. GRCh37 (hg19) VCF-style: chr15-28273129-C-A.
Other names: c.403G>T, p.Glu135Ter (NM_001300984.2); short protein forms E135*.
Identifiers: ClinVar variation 1420611 (VCV001420611.10), dbSNP rs959570803, ClinGen allele CA267887422.